The following is an entry in ClinVar:

NM_015331.3(NCSTN):c.645G>A (p.Met215Ile)

Gene: NCSTN (nicastrin; plus strand). Cytogenetic location: 1q23.2.
Variant type: single nucleotide variant.
Coding change: c.645G>A on transcript NM_015331.3 (MANE Select); coding-DNA position 645, G replaced by A.
Protein change: p.Met215Ile; replaces methionine 215 with isoleucine.
Molecular consequence: missense variant. On other transcripts: intron variant (1).
Genome position (GRCh38, 1-based): chr1:160,351,284, G>A. VCF-style: chr1-160351284-G-A. GRCh37 (hg19) VCF-style: chr1-160321074-G-A.
Other names: c.585G>A, p.Met195Ile (NM_001290184.2); c.645G>A, p.Met215Ile (NM_001349729.2); c.582+1034G>A (NM_001290186.2); short protein forms M215I, M195I.
Identifiers: ClinVar variation 1478894 (VCV001478894.8), dbSNP rs2101901733, ClinGen allele CA343278578.
Genomic context (GRCh38, chr1:160,351,284, plus strand): 5'-CTATCAAGATCACAACCTGAGTCAGAATGGCTCAGCACCAACCTTCCCACTATGTGCCAT[G>A]CAGCTCTTTTCACACATGCATGCTGTCATCAGCACTGCCACCTGCATGCGGCGCAGCTCC-3'
Protein context (NP_056146.1, residues 205-225): GSAPTFPLCA[Met215Ile]QLFSHMHAVI

ClinVar aggregate classification (germline): Uncertain significance (1 of 4 stars; one submission).

Submission:

Labcorp Genetics (formerly Invitae), Labcorp
Classification: Uncertain significance. Last evaluated: 2024-02-24. Review status: criteria provided, single submitter. Criteria: Invitae Variant Classification Sherloc (09022015). Collection method: clinical testing. Allele origin: germline.
Comment: This sequence change replaces methionine, which is neutral and non-polar, with isoleucine, which is neutral and non-polar, at codon 215 of the NCSTN protein (p.Met215Ile). This variant is not present in population databases (gnomAD no frequency). This variant has not been reported in the literature in individuals affected with NCSTN-related conditions. ClinVar contains an entry for this variant (Variation ID: 1478894). Advanced modeling of protein sequence and biophysical properties (such as structural, functional, and spatial information, amino acid conservation, physicochemical variation, residue mobility, and thermodynamic stability) performed at Invitae indicates that this missense variant is not expected to disrupt NCSTN protein function with a negative predictive value of 80%. In summary, the available evidence is currently insufficient to determine the role of this variant in disease. Therefore, it has been classified as a Variant of Uncertain Significance.